The following is an entry in ClinVar:

ClinVar aggregate classification (germline): Uncertain significance. Review status: criteria provided, multiple submitters, no conflicts (2 of 4 stars). 2 submissions from 2 submitters: Uncertain significance (2). Last evaluated 2024-12-25.

Conditions:
Inborn genetic diseases. Identifiers: MedGen C0950123, MeSH D030342.

Allele frequency attached by ClinVar (database versions not stated): gnomAD exomes below 0.00001 and 0.00003; ExAC 0.00003; gnomAD 0.00007 and 0.00009; TOPMed 0.00007; ESP Exome Variant Server 0.00008; 1000 Genomes Project 30x 0.00016; 1000 Genomes Project 0.00020.
gnomAD v4.1: 18 of 1,612,900 alleles (0.0011%); highest among the groups gnomAD compares: African/African-American, 0.023%; no homozygotes.

Submissions (2):

Ambry Genetics
Classification: Uncertain significance for Inborn genetic diseases. Last evaluated: 2024-12-25. Review status: criteria provided, single submitter. Criteria: Ambry Variant Classification Scheme 2023. Collection method: clinical testing. Allele origin: germline.

Labcorp Genetics (formerly Invitae), Labcorp
Classification: Uncertain significance. Last evaluated: 2021-11-12. Review status: criteria provided, single submitter. Criteria: Invitae Variant Classification Sherloc (09022015). Collection method: clinical testing. Allele origin: germline.
Comment: This sequence change replaces serine, which is neutral and polar, with glycine, which is neutral and non-polar, at codon 904 of the ADAMTSL4 protein (p.Ser904Gly). This variant is present in population databases (rs150839641, gnomAD 0.03%). This variant has not been reported in the literature in individuals affected with ADAMTSL4-related conditions. Algorithms developed to predict the effect of missense changes on protein structure and function (SIFT, PolyPhen-2, Align-GVGD) all suggest that this variant is likely to be disruptive. In summary, the available evidence is currently insufficient to determine the role of this variant in disease. Therefore, it has been classified as a Variant of Uncertain Significance.

NM_019032.6(ADAMTSL4):c.2710A>G (p.Ser904Gly)

Gene: ADAMTSL4 (ADAMTS like 4; plus strand). Cytogenetic location: 1q21.2.
Variant type: single nucleotide variant.
Coding change: c.2710A>G on transcript NM_019032.6 (MANE Select); coding-DNA position 2710, A replaced by G.
Protein change: p.Ser904Gly; replaces serine 904 with glycine.
Molecular consequence: missense variant.
Genome position (GRCh38, 1-based): chr1:150,559,112, A>G. VCF-style: chr1-150559112-A-G. GRCh37 (hg19) VCF-style: chr1-150531588-A-G.
Other names: c.2593A>G, p.Ser865Gly (NM_001288607.2); c.2779A>G, p.Ser927Gly (NM_001288608.2); c.2710A>G, p.Ser904Gly (NM_001378596.1); c.2710A>G (NM_019032.4); short protein forms S927G, S865G, S904G.
Identifiers: ClinVar variation 1356809 (VCV001356809.4), dbSNP rs150839641, ClinGen allele CA1078813.
Genomic context (GRCh38, chr1:150,559,112, plus strand): 5'-GGAGCAGGAACTGGGCAGAGCTGTCCAACAGGAAGCCGGCCCCCTGACATGCGCGCCTGC[A>G]GCCTGGGGCCCTGTGAGAGAACTTGGCGCTGGTACACAGGGCCCTGGGGTGAGGTAAGCT-3'
Protein context (NP_061905.2, residues 894-914): GSRPPDMRAC[Ser904Gly]LGPCERTWRW